The following is an entry in ClinVar:

ClinVar aggregate classification (germline): Uncertain significance (1 of 4 stars; one submission).

Conditions:
Peroxisome biogenesis disorder, complementation group K (CGK). Identifiers: MedGen C1866257, MONDO:0800365.

Allele frequency attached by ClinVar (database versions not stated): gnomAD exomes below 0.00001; ExAC 0.00001; gnomAD 0.00001; TOPMed 0.00001.
gnomAD v4.1: 3 of 1,613,886 alleles (0.00019%); highest among the groups gnomAD compares: African/African-American, 0.0027%; no homozygotes.

Submission:

Labcorp Genetics (formerly Invitae), Labcorp
Classification: Uncertain significance for Peroxisome biogenesis disorder, complementation group K. Last evaluated: 2025-10-23. Review status: criteria provided, single submitter. Criteria: Invitae Variant Classification Sherloc (09022015). Collection method: clinical testing. Allele origin: germline.
Comment: This sequence change replaces serine, which is neutral and polar, with cysteine, which is neutral and slightly polar, at codon 15 of the PEX14 protein (p.Ser15Cys). This variant is present in population databases (rs755705743, gnomAD 0.003%). This variant has not been reported in the literature in individuals affected with PEX14-related conditions. ClinVar contains an entry for this variant (Variation ID: 1375724). Experimental studies and prediction algorithms are not available or were not evaluated, and the functional significance of this variant is currently unknown. In summary, the available evidence is currently insufficient to determine the role of this variant in disease. Therefore, it has been classified as a Variant of Uncertain Significance.

NM_004565.3(PEX14):c.44C>G (p.Ser15Cys)

Gene: PEX14 (peroxisomal biogenesis factor 14; plus strand). Cytogenetic location: 1p36.22.
Variant type: single nucleotide variant.
Coding change: c.44C>G on transcript NM_004565.3 (MANE Select); coding-DNA position 44, C replaced by G.
Protein change: p.Ser15Cys; replaces serine 15 with cysteine.
Molecular consequence: missense variant.
Genome position (GRCh38, 1-based): chr1:10,495,281, C>G. VCF-style: chr1-10495281-C-G. GRCh37 (hg19) VCF-style: chr1-10555338-C-G.
Other names: short protein forms S15C.
Identifiers: ClinVar variation 1375724 (VCV001375724.8), dbSNP rs755705743, ClinGen allele CA583684.
Genomic context (GRCh38, chr1:10,495,281, plus strand): 5'-ATGTCCATTGGGTGGCACTGTGATCTTATTTTTGTTTCCATTTTTCTCTGCAGCCAAGCT[C>G]TACTCCAGGAAGTGAAAATGTGCTGCCTCGAGAGCCGCTGGTAAGTACCCAAGATATGTG-3'
Protein context (NP_004556.1, residues 5-25): EQAEQPSQPS[Ser15Cys]TPGSENVLPR